The following is an entry in ClinVar:

Conditions:
Breast-ovarian cancer, familial, susceptibility to, 1 (BROVCA1). Also called: BRCA1 Hereditary Breast and Ovarian Cancer; OVARIAN CANCER, SUSCEPTIBILITY TO. Identifiers: Orphanet 145, MedGen C2676676, MONDO:0011450, OMIM 604370. Disease mechanism: loss of function.

Submission:

Brotman Baty Institute, University of Washington
No classification provided (evidence only). Condition: Breast-ovarian cancer, familial 1. Review status: no classification provided. Collection method: in vitro. Allele origin: not applicable. Functional consequence: functionally_normal.
ClinVar note: "not provided" was previously submitted as the classification for the variant. However, the classification appeared to be based only on an observation of functional data so it was converted to no classification on 2025-07-30.

NM_007294.4(BRCA1):c.5393T>C (p.Phe1798Ser)

Gene: BRCA1 (BRCA1 DNA repair associated; minus strand). Cytogenetic location: 17q21.31.
Variant type: single nucleotide variant.
Coding change: c.5393T>C on transcript NM_007294.4 (MANE Select); coding-DNA position 5393, T replaced by C.
Protein change: p.Phe1798Ser; replaces phenylalanine 1798 with serine.
Molecular consequence: missense variant. On other transcripts: non-coding transcript variant (1), intron variant (1).
Genome position (GRCh38, 1-based): chr17:43,049,134, A>G on the plus strand (T>C on the coding strand, the complement: BRCA1 is on the minus strand). VCF-style: chr17-43049134-A-G. GRCh37 (hg19) VCF-style: chr17-41201151-A-G.
Other names: c.5180T>C, p.Phe1727Ser (NM_001407571.1, NM_001407906.1, NM_001407907.1 and 12 more transcripts); c.5459T>C, p.Phe1820Ser (NM_001407581.1, NM_001407582.1); c.5456T>C, p.Phe1819Ser (NM_001407583.1, NM_001407585.1, NM_001407587.1 and 1 more transcripts); c.5453T>C, p.Phe1818Ser (NM_001407590.1, NM_001407591.1); c.5393T>C, p.Phe1798Ser (NM_001407593.1, NM_001407594.1, NM_001407596.1 and 5 more transcripts); c.5390T>C, p.Phe1797Ser (NM_001407610.1, NM_001407611.1, NM_001407612.1 and 14 more transcripts); c.5387T>C, p.Phe1796Ser (NM_001407627.1, NM_001407628.1, NM_001407629.1 and 13 more transcripts); c.5381T>C, p.Phe1794Ser (NM_001407646.1); and 73 more; short protein forms F1751S, F1819S, F1798S, F694S, F1501S, F1644S, F1687S, F1709S.
Identifiers: ClinVar variation 868044 (VCV000868044.3), dbSNP rs2051076234, ClinGen allele CA10590690.